The following is an entry in ClinVar:

ClinVar aggregate classification (germline): Uncertain significance (1 of 4 stars; one submission).

Submission:

CeGaT Center for Human Genetics Tuebingen
Classification: Uncertain significance. Last evaluated: 2026-03-01. Review status: criteria provided, single submitter. Criteria: CeGaT Center For Human Genetics Tuebingen Variant Classification Criteria Version 2. Collection method: clinical testing. Allele origin: germline. Affected: yes. Observed: 2 variant alleles.
Comment: ERCC6: PM2, BP4

NM_000124.4(ERCC6):c.3455G>C (p.Gly1152Ala)

Gene: ERCC6 (ERCC excision repair 6, chromatin remodeling factor; minus strand). Cytogenetic location: 10q11.23.
Variant type: single nucleotide variant.
Coding change: c.3455G>C on transcript NM_000124.4 (MANE Select); coding-DNA position 3455, G replaced by C.
Protein change: p.Gly1152Ala; replaces glycine 1152 with alanine.
Molecular consequence: missense variant.
Genome position (GRCh38, 1-based): chr10:49,470,505, C>G on the plus strand (G>C on the coding strand, the complement: ERCC6 is on the minus strand). VCF-style: chr10-49470505-C-G. GRCh37 (hg19) VCF-style: chr10-50678551-C-G.
Other names: c.3455G>C, p.Gly1152Ala (NM_001346440.2); short protein forms G1152A.
Identifiers: ClinVar variation 4821740 (VCV004821740.4).